The following is an entry in ClinVar:

ClinVar aggregate classification (germline): Uncertain significance (1 of 4 stars; one submission).

Allele frequency attached by ClinVar (database versions not stated): ExAC 0.00001; gnomAD exomes 0.00001; gnomAD 0.00002; TOPMed 0.00002.
gnomAD v4.1: 20 of 1,614,044 alleles (0.0012%); highest among the groups gnomAD compares: East Asian, 0.0022%; no homozygotes.

Submission:

Labcorp Genetics (formerly Invitae), Labcorp
Classification: Uncertain significance. Last evaluated: 2024-07-28. Review status: criteria provided, single submitter. Criteria: Invitae Variant Classification Sherloc (09022015). Collection method: clinical testing. Allele origin: germline.
Comment: This sequence change replaces arginine, which is basic and polar, with glutamine, which is neutral and polar, at codon 970 of the ERBB2 protein (p.Arg970Gln). This variant is present in population databases (rs753460336, gnomAD 0.006%). This variant has not been reported in the literature in individuals affected with ERBB2-related conditions. Advanced modeling of protein sequence and biophysical properties (such as structural, functional, and spatial information, amino acid conservation, physicochemical variation, residue mobility, and thermodynamic stability) has been performed at Invitae for this missense variant, however the output from this modeling did not meet the statistical confidence thresholds required to predict the impact of this variant on ERBB2 protein function. In summary, the available evidence is currently insufficient to determine the role of this variant in disease. Therefore, it has been classified as a Variant of Uncertain Significance.

NM_004448.4(ERBB2):c.2909G>A (p.Arg970Gln)

Gene: ERBB2 (erb-b2 receptor tyrosine kinase 2; plus strand). Cytogenetic location: 17q12.
Variant type: single nucleotide variant.
Coding change: c.2909G>A on transcript NM_004448.4 (MANE Select); coding-DNA position 2909, G replaced by A.
Protein change: p.Arg970Gln; replaces arginine 970 with glutamine.
Molecular consequence: missense variant. On other transcripts: non-coding transcript variant (1), intron variant (1).
Genome position (GRCh38, 1-based): chr17:39,726,598, G>A. VCF-style: chr17-39726598-G-A. GRCh37 (hg19) VCF-style: chr17-37882851-G-A.
Other names: c.2819G>A, p.Arg940Gln (NM_001005862.3, NM_001382782.1, NM_001382783.1); c.2864G>A, p.Arg955Gln (NM_001289936.2); c.2909G>A, p.Arg970Gln (NM_001289937.2, NM_001382796.1); c.3026G>A, p.Arg1009Gln (NM_001382784.1); c.3011G>A, p.Arg1004Gln (NM_001382785.1); c.2990G>A, p.Arg997Gln (NM_001382786.1); c.2984G>A, p.Arg995Gln (NM_001382787.1); c.2939G>A, p.Arg980Gln (NM_001382788.1); and 15 more; short protein forms R1004Q, R884Q, R908Q, R910Q, R970Q, R980Q, R1009Q, R624Q.
Identifiers: ClinVar variation 2896550 (VCV002896550.3), dbSNP rs753460336, ClinGen allele CA8534419.